The following is an entry in ClinVar:

ClinVar aggregate classification (germline): Likely benign. Review status: criteria provided, multiple submitters, no conflicts (2 of 4 stars). 4 submissions from 4 submitters: Likely benign (4). Last evaluated 2026-09-01.

Conditions:
Inborn genetic diseases. Identifiers: MedGen C0950123, MeSH D030342.
Early-infantile DEE. Also called: Ohtahara syndrome; Early infantile epileptic encephalopathy; Early infantile epileptic encephalopathy with suppression bursts. Identifiers: Orphanet 1934, MedGen C0393706, MONDO:0800491.

Allele frequency attached by ClinVar (database versions not stated): gnomAD exomes 0.00010; TOPMed 0.00011; gnomAD 0.00015 and 0.00016; ExAC 0.00017; ESP Exome Variant Server 0.00031.
gnomAD v4.1: 173 of 1,604,976 alleles (0.011%); highest among the groups gnomAD compares: Admixed American, 0.01%; no homozygotes.

Submissions (4):

CeGaT Center for Human Genetics Tuebingen
Classification: Likely benign. Last evaluated: 2026-09-01. Review status: criteria provided, single submitter. Criteria: CeGaT Center For Human Genetics Tuebingen Variant Classification Criteria Version 2. Collection method: clinical testing. Allele origin: germline. Affected: yes. Observed: 1 variant allele.
Comment: KCNQ2: BP4, BP7

Labcorp Genetics (formerly Invitae), Labcorp
Classification: Likely benign for Early-infantile DEE. Last evaluated: 2026-01-13. Review status: criteria provided, single submitter. Criteria: Invitae Variant Classification Sherloc (09022015). Collection method: clinical testing. Allele origin: germline.

GeneDx
Classification: Likely benign. Last evaluated: 2021-03-02. Review status: criteria provided, single submitter. Criteria: GeneDx Variant Classification Process June 2021. Collection method: clinical testing. Allele origin: germline. Affected: yes.

Ambry Genetics
Classification: Likely benign for Inborn genetic diseases. Last evaluated: 2018-07-26. Review status: criteria provided, single submitter. Criteria: Ambry Variant Classification Scheme 2023. Collection method: clinical testing. Allele origin: germline.

NM_172107.4(KCNQ2):c.2049C>T (p.His683=)

Gene: KCNQ2 (potassium voltage-gated channel subfamily Q member 2; minus strand). Cytogenetic location: 20q13.33.
Variant type: single nucleotide variant.
Coding change: c.2049C>T on transcript NM_172107.4 (MANE Select); coding-DNA position 2049, C replaced by T.
Protein change: p.His683=; no amino-acid change (histidine 683 retained).
Molecular consequence: synonymous variant.
Genome position (GRCh38, 1-based): chr20:63,407,214, G>A on the plus strand (C>T on the coding strand, the complement: KCNQ2 is on the minus strand). VCF-style: chr20-63407214-G-A. GRCh37 (hg19) VCF-style: chr20-62038567-G-A.
Other names: c.1965C>T, p.His655= (NM_004518.6); c.1995C>T, p.His665= (NM_172106.3); c.1956C>T, p.His652= (NM_172108.5).
Identifiers: ClinVar variation 339331 (VCV000339331.17), dbSNP rs150982653, ClinGen allele CA9958162.